The following is an entry in ClinVar:

NM_001042492.3(NF1):c.6537_6540del (p.Ser2180fs)

Gene: NF1 (neurofibromin 1; plus strand). Cytogenetic location: 17q11.2.
Variant type: Deletion.
Coding change: c.6537_6540del on transcript NM_001042492.3 (MANE Select); coding-DNA positions 6537 to 6540, 4 bases deleted (TTCC; older notation c.6537_6540delTTCC).
Protein change: p.Ser2180fs; shifts the reading frame from serine 2180.
Molecular consequence: frameshift variant.
Genome position (GRCh38, 1-based): chr17:31,337,477-31,337,480, TTCC deleted. VCF-style (leftmost placement, unchanged base first): chr17-31337476-GTTCC-G. GRCh37 (hg19) VCF-style: chr17-29664494-GTTCC-G.
Other names: c.6474_6477delTTCC (NM_000267.3); c.6474_6477delTTCC, p.Ser2159Valfs (NM_000267.4); short protein forms S2159fs, S2180fs.
Identifiers: ClinVar variation 3879092 (VCV003879092.1).

ClinVar aggregate classification (germline): Pathogenic (1 of 4 stars; one submission).

Conditions:
Cardiovascular phenotype. Identifiers: MedGen CN230736.
Hereditary cancer-predisposing syndrome. Also called: Tumor predisposition; Neoplastic Syndromes, Hereditary; Hereditary Cancer Syndrome; Hereditary neoplastic syndrome. Identifiers: Orphanet 140162, MedGen C0027672, MeSH D009386, MONDO:0015356.

Submission:

Ambry Genetics
Classification: Pathogenic for Cardiovascular phenotype; Hereditary cancer-predisposing syndrome. Last evaluated: 2025-03-03. Review status: criteria provided, single submitter. Criteria: Ambry Variant Classification Scheme 2023. Collection method: clinical testing. Allele origin: germline.
Comment: The c.6474_6477delTTCC pathogenic mutation, located in coding exon 42 of the NF1 gene, results from a deletion of 4 nucleotides at nucleotide positions 6474 to 6477, causing a translational frameshift with a predicted alternate stop codon (p.S2159Vfs*19). This variant is considered to be rare based on population cohorts in the Genome Aggregation Database (gnomAD). This alteration is expected to result in loss of function by premature protein truncation or nonsense-mediated mRNA decay. As such, this alteration is interpreted as a disease-causing mutation.